The following is an entry in ClinVar:

ClinVar aggregate classification (germline): Uncertain significance (1 of 4 stars; one submission).

Submission:

Institute for Clinical Genetics, University Hospital TU Dresden, University Hospital TU Dresden
Classification: Uncertain significance. Last evaluated: 2023-03-28. Review status: criteria provided, single submitter. Criteria: ACMG Guidelines, 2015. Collection method: clinical testing. Allele origin: paternal.
Comment: PM2_SUP, PP2

NM_003128.3(SPTBN1):c.511G>C (p.Glu171Gln)

Gene: SPTBN1 (spectrin beta, non-erythrocytic 1; plus strand). Cytogenetic location: 2p16.2.
Variant type: single nucleotide variant.
Coding change: c.511G>C on transcript NM_003128.3 (MANE Select); coding-DNA position 511, G replaced by C.
Protein change: p.Glu171Gln; replaces glutamic acid 171 with glutamine.
Molecular consequence: missense variant.
Genome position (GRCh38, 1-based): chr2:54,616,243, G>C. VCF-style: chr2-54616243-G-C. GRCh37 (hg19) VCF-style: chr2-54843380-G-C.
Other names: c.472G>C, p.Glu158Gln (NM_178313.3); short protein forms E158Q, E171Q.
Identifiers: ClinVar variation 2576107 (VCV002576107.1), dbSNP rs2549502693, ClinGen allele CA346861176.